The following is an entry in ClinVar:

NM_000540.3(RYR1):c.271-293A>G

Gene: RYR1 (ryanodine receptor 1; plus strand). Cytogenetic location: 19q13.2.
Variant type: single nucleotide variant.
Coding change: c.271-293A>G on transcript NM_000540.3 (MANE Select); 293 bases into the intron before coding-DNA position 271, A replaced by G.
Molecular consequence: intron variant.
Genome position (GRCh38, 1-based): chr19:38,443,265, A>G. VCF-style: chr19-38443265-A-G. GRCh37 (hg19) VCF-style: chr19-38933905-A-G.
Other names: c.271-293A>G (NM_001042723.2).
Identifiers: ClinVar variation 681023 (VCV000681023.1), dbSNP rs16972602, ClinGen allele CA308110847.

ClinVar aggregate classification (germline): Benign (1 of 4 stars; one submission).

Allele frequency attached by ClinVar (database versions not stated): gnomAD 0.04009 and 0.04170; TOPMed 0.04390; 1000 Genomes Project 0.05491; 1000 Genomes Project 30x 0.05590.
gnomAD v4.1: 6,053 of 152,240 alleles (4%); highest among the groups gnomAD compares: African/African-American, 12%; 342 homozygotes.

Submission:

GeneDx
Classification: Benign. Last evaluated: 2018-06-18. Review status: criteria provided, single submitter. Criteria: GeneDx Variant Classification (06012015). Collection method: clinical testing. Allele origin: germline. Affected: yes.
Comment: This variant is considered likely benign or benign based on one or more of the following criteria: it is a conservative change, it occurs at a poorly conserved position in the protein, it is predicted to be benign by multiple in silico algorithms, and/or has population frequency not consistent with disease.